The following is an entry in ClinVar:

NM_000426.4(LAMA2):c.8524A>G (p.Ile2842Val)

Gene: LAMA2 (laminin subunit alpha 2; plus strand). Cytogenetic location: 6q22.33.
Variant type: single nucleotide variant.
Coding change: c.8524A>G on transcript NM_000426.4 (MANE Select); coding-DNA position 8524, A replaced by G.
Protein change: p.Ile2842Val; replaces isoleucine 2842 with valine.
Molecular consequence: missense variant.
Genome position (GRCh38, 1-based): chr6:129,503,257, A>G. VCF-style: chr6-129503257-A-G. GRCh37 (hg19) VCF-style: chr6-129824402-A-G.
Other names: c.8512A>G, p.Ile2838Val (NM_001079823.2); short protein forms I2842V, I2838V.
Identifiers: ClinVar variation 435716 (VCV000435716.17), dbSNP rs140178576, ClinGen allele CA3994847.
Genomic context (GRCh38, chr6:129,503,257, plus strand): 5'-TTGCCCTACTTCAGCTATGACTTGGGGAGTGGGGACACCCACACCATGATCCCCACCAAA[A>G]TCAATGATGGCCAGTGGCACAAGGTAATAGTCCCCTGGATATTGGCAGTACCCTAAGGGA-3'
Protein context (NP_000417.3, residues 2832-2852): GDTHTMIPTK[Ile2842Val]NDGQWHKIKI

ClinVar aggregate classification (germline): Conflicting classifications of pathogenicity. Review status: criteria provided, conflicting classifications (1 of 4 stars). 5 submissions from 5 submitters: Uncertain significance (4); Likely benign (1). Last evaluated 2026-01-25.

Conditions:
Merosin deficient congenital muscular dystrophy (MDC1A). Also called: Congenital merosin-deficient muscular dystrophy 1A; Congenital Muscular Dystrophy Type 1A (MDC1A). Identifiers: Orphanet 258, MedGen C1263858, MONDO:0011925, OMIM 607855.
Muscular dystrophy, limb-girdle, autosomal recessive 23. Identifiers: Orphanet 565837, MedGen C4748327, MONDO:0029136, OMIM 618138.
LAMA2-related muscular dystrophy (LAMA2-RD). Also called: Laminin alpha 2-related dystrophy. Identifiers: MedGen C5679788, MONDO:0100228.

Allele frequency attached by ClinVar (database versions not stated): gnomAD 0.00006 and 0.00007; gnomAD exomes 0.00007 and 0.00015; TOPMed 0.00007; ExAC 0.00009; 1000 Genomes Project 30x 0.00016; 1000 Genomes Project 0.00020.
gnomAD v4.1: 229 of 1,614,002 alleles (0.014%); highest among the groups gnomAD compares: Non-Finnish European, 0.019%; no homozygotes.

Submissions (5):

Labcorp Genetics (formerly Invitae), Labcorp
Classification: Likely benign for LAMA2-related muscular dystrophy. Last evaluated: 2026-01-25. Review status: criteria provided, single submitter. Criteria: Invitae Variant Classification Sherloc (09022015). Collection method: clinical testing. Allele origin: germline.

Women's Health and Genetics/Laboratory Corporation of America, LabCorp
Classification: Uncertain significance. Last evaluated: 2024-11-26. Review status: criteria provided, single submitter. Criteria: LabCorp Variant Classification Summary - May 2015. Collection method: clinical testing. Allele origin: germline.
Comment: Variant summary: LAMA2 c.8524A>G (p.Ile2842Val) results in a conservative amino acid change located in the Laminin G domain profile (IPR001791) of the encoded protein sequence. Three of five in-silico tools predict a damaging effect of the variant on protein function. The variant allele was found at a frequency of 7.2e-05 in 251220 control chromosomes. This frequency is not significantly higher than estimated for a pathogenic variant in LAMA2 causing Merosin deficient congenital muscular dystrophy (7.2e-05 vs 0.0035), allowing no conclusion about variant significance. To our knowledge, no occurrence of c.8524A>G in individuals affected with Merosin deficient congenital muscular dystrophy and no experimental evidence demonstrating its impact on protein function have been reported. ClinVar contains an entry for this variant (Variation ID: 435716). Based on the evidence outlined above, the variant was classified as uncertain significance.

Revvity Omics, Revvity
Classification: Uncertain significance. Last evaluated: 2020-04-03. Review status: criteria provided, single submitter. Criteria: ACMG Guidelines, 2015. Collection method: clinical testing. Allele origin: germline.

Fulgent Genetics
Classification: Uncertain significance for Merosin deficient congenital muscular dystrophy; Muscular dystrophy, limb-girdle, autosomal recessive 23. Last evaluated: 2018-10-31. Review status: criteria provided, single submitter. Criteria: ACMG Guidelines, 2015. Collection method: clinical testing. Allele origin: unknown.

Genetic Services Laboratory, University of Chicago
Classification: Uncertain significance. Last evaluated: 2015-08-25. Review status: criteria provided, single submitter. Criteria: ACMG Guidelines, 2015. Collection method: clinical testing. Allele origin: germline. Affected: no.